The following is an entry in ClinVar:

ClinVar aggregate classification (germline): Likely benign (0 of 4 stars; one submission).

Conditions:
ARID1A-related disorder. Also called: ARID1A-related condition.

Allele frequency attached by ClinVar (database versions not stated): gnomAD exomes 0.00001; TOPMed 0.00001; gnomAD 0.00002; ExAC 0.00004; 1000 Genomes Project 30x 0.00016; 1000 Genomes Project 0.00020.
gnomAD v4.1: 12 of 1,612,622 alleles (0.00074%); highest among the groups gnomAD compares: East Asian, 0.022%; no homozygotes.

Submission:

PreventionGenetics, part of Exact Sciences
Classification: Likely benign for ARID1A-related condition. Last evaluated: 2023-04-19. Review status: no assertion criteria provided. Collection method: clinical testing. Allele origin: germline.
Comment: This variant is classified as likely benign based on ACMG/AMP sequence variant interpretation guidelines (Richards et al. 2015 PMID: 25741868, with internal and published modifications).

NM_006015.6(ARID1A):c.3866+8T>A

Gene: ARID1A (AT-rich interaction domain 1A; plus strand). Cytogenetic location: 1p36.11.
Variant type: single nucleotide variant.
Coding change: c.3866+8T>A on transcript NM_006015.6 (MANE Select); 8 bases into the intron after coding-DNA position 3866, T replaced by A.
Molecular consequence: intron variant.
Genome position (GRCh38, 1-based): chr1:26,773,504, T>A. VCF-style: chr1-26773504-T-A. GRCh37 (hg19) VCF-style: chr1-27099995-T-A.
Other names: c.3866+8T>A (NM_139135.4).
Identifiers: ClinVar variation 3051423 (VCV003051423.2), dbSNP rs538974843, ClinGen allele CA707318.
Genomic context (GRCh38, chr1:26,773,504, plus strand): 5'-GCGATGGGACCACGACAGCACTATCCCTATGGAGGTCCTTATGACAGAGTGAGGTAAGCA[T>A]GACCCCAGCTCCTGTCCACTCCCCCAGCACCCTGAAGCTATAGTGGGCTCAATCTGCCTC-3'